The following is an entry in ClinVar:

GRCh37/hg19 6p24.3-24.2(chr6:10490144-10724301)x1

Genes: C6orf52 (chromosome 6 open reading frame 52; minus strand), GCNT2 (glucosaminyl (N-acetyl) transferase 2 (I blood group); plus strand), PAK1IP1 (PAK1 interacting protein 1; plus strand), TMEM14C (transmembrane protein 14C; plus strand). Cytogenetic location: 6p24.3-24.2.
Variant type: copy number loss.
Change: copy number 1 (one copy instead of two) of chr6:10,490,144-10,724,301 (234.2 kb, GRCh37 coordinates, 1-based), cytogenetic band 6p24.3-24.2.
Identifiers: ClinVar variation 219036 (VCV000219036.5).

ClinVar aggregate classification (germline): Uncertain significance (1 of 4 stars; one submission).

Submission:

Cytogenetics Laboratory, University of Washington
Classification: Uncertain significance. Last evaluated: 2015-09-21. Review status: criteria provided, single submitter. Criteria: UW Cytogenetics and Genomics Laboratory Policy on CNV Interpretation (5/6/2015). Collection method: clinical testing. Allele origin: unknown. Affected: yes. Observed: 1 variant allele.